The following is an entry in ClinVar:

NM_005560.6(LAMA5):c.1448A>T (p.Glu483Val)

Gene: LAMA5 (laminin subunit alpha 5; minus strand). Cytogenetic location: 20q13.33.
Variant type: single nucleotide variant.
Coding change: c.1448A>T on transcript NM_005560.6 (MANE Select); coding-DNA position 1448, A replaced by T.
Protein change: p.Glu483Val; replaces glutamic acid 483 with valine.
Molecular consequence: missense variant.
Genome position (GRCh38, 1-based): chr20:62,345,847, T>A on the plus strand (A>T on the coding strand, the complement: LAMA5 is on the minus strand). VCF-style: chr20-62345847-T-A. GRCh37 (hg19) VCF-style: chr20-60920903-T-A.
Other names: short protein forms E483V.
Identifiers: ClinVar variation 3060749 (VCV003060749.2), dbSNP rs1183950648, ClinGen allele CA409572901.

ClinVar aggregate classification (germline): Uncertain significance (0 of 4 stars; one submission).

Conditions:
LAMA5-related disorder. Also called: LAMA5-related condition; LAMA5-Related Disorders.

Allele frequency attached by ClinVar (database versions not stated): gnomAD 0.00001; TOPMed 0.00001.
gnomAD v4.1: 6 of 1,552,358 alleles (0.00039%); highest among the groups gnomAD compares: Non-Finnish European, 0.00044%; no homozygotes.

Submission:

PreventionGenetics, part of Exact Sciences
Classification: Uncertain significance for LAMA5-related condition. Last evaluated: 2023-12-06. Review status: no assertion criteria provided. Collection method: clinical testing. Allele origin: germline.
Comment: The LAMA5 c.1448A>T variant is predicted to result in the amino acid substitution p.Glu483Val. To our knowledge, this variant has not been reported in the literature. This variant is reported in 0.0% of alleles in individuals of African descent in gnomAD. At this time, the clinical significance of this variant is uncertain due to the absence of conclusive functional and genetic evidence.